The following is an entry in ClinVar:

NM_001130009.3(GEN1):c.1474A>T (p.Thr492Ser)

Gene: GEN1 (GEN1 structure-specific endonuclease; plus strand). Cytogenetic location: 2p24.2.
Variant type: single nucleotide variant.
Coding change: c.1474A>T on transcript NM_001130009.3 (MANE Select); coding-DNA position 1474, A replaced by T.
Protein change: p.Thr492Ser; replaces threonine 492 with serine.
Molecular consequence: missense variant.
Genome position (GRCh38, 1-based): chr2:17,780,686, A>T. VCF-style: chr2-17780686-A-T. GRCh37 (hg19) VCF-style: chr2-17961953-A-T.
Other names: c.1474A>T, p.Thr492Ser (NM_182625.5); short protein forms T492S.
Identifiers: ClinVar variation 4671454 (VCV004671454.1).
Genomic context (GRCh38, chr2:17,780,686, plus strand): 5'-AAGCCTAAAGAAAACAATTTGCCAGAACCAGATGAAGTAATGAGCTTTCAGTCACACATG[A>T]CTTTAAAACCCACATGTGAAATCTTTCATAAGCAGAATTCCAAGTTAAATTCGGGGATTT-3'
Protein context (NP_001123481.3, residues 482-502): DEVMSFQSHM[Thr492Ser]LKPTCEIFHK

ClinVar aggregate classification (germline): Uncertain significance (1 of 4 stars; one submission).

Submission:

Ambry Genetics
Classification: Uncertain significance. Last evaluated: 2025-09-29. Review status: criteria provided, single submitter. Criteria: Ambry Variant Classification Scheme 2023. Collection method: clinical testing. Allele origin: germline.
Comment: The p.T492S variant (also known as c.1474A>T), located in coding exon 13 of the GEN1 gene, results from an A to T substitution at nucleotide position 1474. The threonine at codon 492 is replaced by serine, an amino acid with similar properties. This amino acid position is conserved. In addition, this alteration is predicted to be tolerated by in silico analysis. Based on the available evidence, the clinical significance of this variant remains unclear.